The following is an entry in ClinVar:

NM_001453.3(FOXC1):c.20dup (p.Ser8fs)

Gene: FOXC1 (forkhead box C1; plus strand). Cytogenetic location: 6p25.3.
Variant type: Duplication.
Coding change: c.20dup on transcript NM_001453.3 (MANE Select); coding-DNA position 20, one base duplicated (T; older notation c.20dupT).
Protein change: p.Ser8fs; shifts the reading frame from serine 8.
Molecular consequence: frameshift variant.
Genome position (GRCh38, 1-based): chr6:1,610,465, T duplicated. VCF-style (leftmost placement, unchanged base first): chr6-1610464-G-GT. GRCh37 (hg19) VCF-style: chr6-1610699-G-GT.
Other names: short protein forms S8fs.
Identifiers: ClinVar variation 817017 (VCV000817017.1), dbSNP rs1581373410, ClinGen allele CA915944133.

ClinVar aggregate classification (germline): Pathogenic (1 of 4 stars; one submission).

Submission:

GeneDx
Classification: Pathogenic. Last evaluated: 2017-07-20. Review status: criteria provided, single submitter. Criteria: GeneDx Variant Classification (06012015). Collection method: clinical testing. Allele origin: germline. Affected: yes.
Comment: The c.20dupT variant in the FOXC1 gene causes a frameshift starting with codon Serine 8, changes this amino acid to a Valine residue and creates a premature Stop codon at position 75 of the new reading frame, denoted p.Ser8ValfsX75. This variant is predicted to cause loss of normal protein function through protein truncation. Specifically, it is predicted that the last 546 correct amino acids are lost and replaced by 74 incorrect amino acids. The lost residues include the critical Fork-head DNA binding domain. This variant is interpreted to be pathogenic.